The following is an entry in ClinVar:

NM_001013650.2(PRR23B):c.150G>A (p.Gly50=)

Gene: PRR23B (proline rich 23B; minus strand). Cytogenetic location: 3q23.
Variant type: single nucleotide variant.
Coding change: c.150G>A on transcript NM_001013650.2 (MANE Select); coding-DNA position 150, G replaced by A.
Protein change: p.Gly50=; no amino-acid change (glycine 50 retained).
Molecular consequence: synonymous variant.
Genome position (GRCh38, 1-based): chr3:139,020,512, C>T on the plus strand (G>A on the coding strand, the complement: PRR23B is on the minus strand). VCF-style: chr3-139020512-C-T. GRCh37 (hg19) VCF-style: chr3-138739354-C-T.
Identifiers: ClinVar variation 4821261 (VCV004821261.4).

ClinVar aggregate classification (germline): Likely benign (1 of 4 stars; one submission).

Submission:

CeGaT Center for Human Genetics Tuebingen
Classification: Likely benign. Last evaluated: 2026-01-01. Review status: criteria provided, single submitter. Criteria: CeGaT Center For Human Genetics Tuebingen Variant Classification Criteria Version 2. Collection method: clinical testing. Allele origin: germline. Affected: yes. Observed: 1 variant allele.
Comment: PRR23B: BP4, BP7